The following is an entry in ClinVar:

ClinVar aggregate classification (germline): Benign/Likely benign. Review status: criteria provided, multiple submitters, no conflicts (2 of 4 stars). 6 submissions from 6 submitters: Benign (3); Likely benign (3). Last evaluated 2026-09-01.

Conditions:
Primary ciliary dyskinesia. Also called: Ciliary dyskinesia. Identifiers: Orphanet 244, MedGen C0008780, MONDO:0016575, HP:0012265.
Primary ciliary dyskinesia 7. Also called: CILIARY DYSKINESIA, PRIMARY, 7, WITH OR WITHOUT SITUS INVERSUS. Identifiers: Orphanet 244, MedGen C2678473, MONDO:0012748, OMIM 611884.

Allele frequency attached by ClinVar (database versions not stated): gnomAD 0.00595 and 0.00559; 1000 Genomes Project 0.00140; TOPMed 0.00411; ExAC 0.00928; 1000 Genomes Project 30x 0.00156; gnomAD exomes 0.00546 and 0.00643; ESP Exome Variant Server 0.00578.
gnomAD v4.1: 10,037 of 1,595,426 alleles (0.63%); highest among the groups gnomAD compares: Non-Finnish European, 0.73%; 59 homozygotes.

Submissions (6):

CeGaT Center for Human Genetics Tuebingen
Classification: Likely benign. Last evaluated: 2026-09-01. Review status: criteria provided, single submitter. Criteria: CeGaT Center For Human Genetics Tuebingen Variant Classification Criteria Version 2. Collection method: clinical testing. Allele origin: germline. Affected: yes. Observed: 18 variant alleles.
Comment: DNAH11: BP4, BS2

Labcorp Genetics (formerly Invitae), Labcorp
Classification: Benign for Primary ciliary dyskinesia. Last evaluated: 2026-02-01. Review status: criteria provided, single submitter. Criteria: Invitae Variant Classification Sherloc (09022015). Collection method: clinical testing. Allele origin: germline.

GeneDx
Classification: Likely benign. Last evaluated: 2022-02-13. Review status: criteria provided, single submitter. Criteria: GeneDx Variant Classification Process June 2021. Collection method: clinical testing. Allele origin: germline. Affected: yes.

Genetics and Molecular Pathology, SA Pathology
Classification: Likely benign for Primary ciliary dyskinesia 7. Last evaluated: 2019-12-19. Review status: criteria provided, single submitter. Criteria: ACMG Guidelines, 2015. Collection method: clinical testing. Allele origin: germline. Affected: yes.

PreventionGenetics, part of Exact Sciences
Classification: Benign. Last evaluated: 2016-04-26. Review status: criteria provided, single submitter. Criteria: ACMG Guidelines, 2015. Collection method: clinical testing. Allele origin: germline.

Eurofins Ntd Llc (ga)
Classification: Benign. Last evaluated: 2014-04-03. Review status: criteria provided, single submitter. Criteria: EGL Classification Definitions 2015. Collection method: clinical testing. Allele origin: germline. Observed: 2 variant alleles, 2 heterozygotes.

NM_001277115.2(DNAH11):c.640A>G (p.Ile214Val)

Gene: DNAH11 (dynein axonemal heavy chain 11; plus strand). Cytogenetic location: 7p15.3.
Variant type: single nucleotide variant.
Coding change: c.640A>G on transcript NM_001277115.2 (MANE Select); coding-DNA position 640, A replaced by G.
Protein change: p.Ile214Val; replaces isoleucine 214 with valine.
Molecular consequence: missense variant.
Genome position (GRCh38, 1-based): chr7:21,558,946, A>G. VCF-style: chr7-21558946-A-G. GRCh37 (hg19) VCF-style: chr7-21598564-A-G.
Other names: short protein forms I214V.
Identifiers: ClinVar variation 166998 (VCV000166998.54), dbSNP rs117064287, ClinGen allele CA179973.